The following is an entry in ClinVar:

NM_000453.3(SLC5A5):c.492del (p.Trp165fs)

Gene: SLC5A5 (solute carrier family 5 member 5; plus strand). Cytogenetic location: 19p13.11.
Variant type: Deletion.
Coding change: c.492del on transcript NM_000453.3 (MANE Select); coding-DNA position 492, one base deleted (C; older notation c.492delC).
Protein change: p.Trp165fs; shifts the reading frame from tryptophan 165.
Molecular consequence: frameshift variant.
Genome position (GRCh38, 1-based): chr19:17,874,680, C deleted. VCF-style (leftmost placement, unchanged base first): chr19-17874679-TC-T. GRCh37 (hg19) VCF-style: chr19-17985488-TC-T.
Other names: short protein forms W165fs.
Identifiers: ClinVar variation 3645972 (VCV003645972.2).

ClinVar aggregate classification (germline): Pathogenic (1 of 4 stars; one submission).

Submission:

Labcorp Genetics (formerly Invitae), Labcorp
Classification: Pathogenic. Last evaluated: 2024-03-14. Review status: criteria provided, single submitter. Criteria: Invitae Variant Classification Sherloc (09022015). Collection method: clinical testing. Allele origin: germline.
Comment: This sequence change creates a premature translational stop signal (p.Trp165Glyfs*20) in the SLC5A5 gene. It is expected to result in an absent or disrupted protein product. Loss-of-function variants in SLC5A5 are known to be pathogenic (PMID: 9388506, 9486973). This variant is not present in population databases (gnomAD no frequency). This variant has not been reported in the literature in individuals affected with SLC5A5-related conditions. For these reasons, this variant has been classified as Pathogenic.

Literature cited by the submitters: PubMed 9388506; PubMed 9486973.